The following is an entry in ClinVar:

NM_000252.3(MTM1):c.566A>G (p.Asn189Ser)

Gene: MTM1 (myotubularin 1; plus strand). Cytogenetic location: Xq28.
Variant type: single nucleotide variant.
Coding change: c.566A>G on transcript NM_000252.3 (MANE Select); coding-DNA position 566, A replaced by G.
Protein change: p.Asn189Ser; replaces asparagine 189 with serine.
Molecular consequence: missense variant.
Genome position (GRCh38, 1-based): chrX:150,641,306, A>G. VCF-style: chrX-150641306-A-G. GRCh37 (hg19) VCF-style: chrX-149809779-A-G.
Other names: N207S; c.566A>G, p.Asn189Ser (NM_001376906.1, NM_001376908.1); c.455A>G, p.Asn152Ser (NM_001376907.1); short protein forms N189S, N152S.
Identifiers: ClinVar variation 11053 (VCV000011053.15), dbSNP rs132630302, ClinGen allele CA255661.

ClinVar aggregate classification (germline): Pathogenic/Likely pathogenic. Review status: criteria provided, multiple submitters, no conflicts (2 of 4 stars). 4 submissions from 4 submitters: Pathogenic (2); Likely pathogenic (1). 1 of the submissions does not count toward it. Last evaluated 2024-01-28.

Conditions:
Severe X-linked myotubular myopathy (CNMX). Also called: Myotubular myopathy, X-linked; MYOTUBULAR MYOPATHY 1; X-linked centronuclear myopathy. Identifiers: Orphanet 596, MedGen C0410203, MONDO:0010683, OMIM 310400.

Submissions (4):

GeneDx
Classification: Likely pathogenic. Last evaluated: 2024-01-28. Review status: criteria provided, single submitter. Criteria: GeneDx Variant Classification Process June 2021. Collection method: clinical testing. Allele origin: germline. Affected: yes.
Comment: Not observed at significant frequency in large population cohorts (gnomAD); In silico analysis supports that this missense variant has a deleterious effect on protein structure/function; This variant is associated with the following publications: (PMID: 8640223, 10063835, Woo_2022[Article], 34011573)

Labcorp Genetics (formerly Invitae), Labcorp
Classification: Pathogenic for Severe X-linked myotubular myopathy. Last evaluated: 2021-06-16. Review status: criteria provided, single submitter. Criteria: Invitae Variant Classification Sherloc (09022015). Collection method: clinical testing. Allele origin: germline.
Comment: This sequence change replaces asparagine with serine at codon 189 of the MTM1 protein (p.Asn189Ser). The asparagine residue is highly conserved and there is a small physicochemical difference between asparagine and serine. This variant is not present in population databases (ExAC no frequency). This variant has been observed in individual(s) with myotubular myopathy (PMID: 8640223). In at least one individual the variant was observed to be de novo. This variant is also known as A620G, N207S. ClinVar contains an entry for this variant (Variation ID: 11053). Advanced modeling of protein sequence and biophysical properties (such as structural, functional, and spatial information, amino acid conservation, physicochemical variation, residue mobility, and thermodynamic stability) performed at Invitae indicates that this missense variant is expected to disrupt MTM1 protein function. Algorithms developed to predict the effect of sequence changes on RNA splicing suggest that this variant may create or strengthen a splice site, but this prediction has not been confirmed by published transcriptional studies. For these reasons, this variant has been classified as Pathogenic.

Genetic Services Laboratory, University of Chicago
Classification: Pathogenic for Myotubular myopathy, X-linked. Last evaluated: 2013-02-08. Review status: criteria provided, single submitter. Criteria: ACMG Guidelines, 2007. Collection method: clinical testing. Allele origin: germline. Inheritance: X-linked inheritance. Affected: yes.

OMIM
Classification: Pathogenic for MYOTUBULAR MYOPATHY, X-LINKED. Last evaluated: 1996-06-01. Review status: no assertion criteria provided. Collection method: literature only. Allele origin: germline. Not counted in ClinVar's aggregate classification.

Literature cited by the submitters: PubMed 8640223 (cited by Labcorp Genetics (formerly Invitae), Labcorp and OMIM).